The following is an entry in ClinVar:

NM_001378183.1(PIEZO2):c.3217C>T (p.Arg1073Trp)

Gene: PIEZO2 (piezo type mechanosensitive ion channel component 2; minus strand). Cytogenetic location: 18p11.22.
Variant type: single nucleotide variant.
Coding change: c.3217C>T on transcript NM_001378183.1 (MANE Select); coding-DNA position 3217, C replaced by T.
Protein change: p.Arg1073Trp; replaces arginine 1073 with tryptophan.
Molecular consequence: missense variant.
Genome position (GRCh38, 1-based): chr18:10,762,532, G>A on the plus strand (C>T on the coding strand, the complement: PIEZO2 is on the minus strand). VCF-style: chr18-10762532-G-A. GRCh37 (hg19) VCF-style: chr18-10762530-G-A.
Other names: c.3217C>T, p.Arg1073Trp (NM_001410871.1); c.3142C>T, p.Arg1048Trp (NM_022068.4); short protein forms R1048W, R1073W.
Identifiers: ClinVar variation 3253159 (VCV003253159.15), dbSNP rs942385292.

ClinVar aggregate classification (germline): Uncertain significance. Review status: criteria provided, multiple submitters, no conflicts (2 of 4 stars). 2 submissions from 2 submitters: Uncertain significance (2). Last evaluated 2025-01-22.

Allele frequency attached by ClinVar (database versions not stated): gnomAD exomes 0.00002; gnomAD 0.00005; TOPMed 0.00008.
gnomAD v4.1: 28 of 1,537,184 alleles (0.0018%); highest among the groups gnomAD compares: African/African-American, 0.0027%; no homozygotes.

Submissions (2):

GeneDx
Classification: Uncertain significance. Last evaluated: 2025-01-22. Review status: criteria provided, single submitter. Criteria: GeneDx Variant Classification Process June 2021. Collection method: clinical testing. Allele origin: germline.
Comment: In silico analysis supports that this missense variant has a deleterious effect on protein structure/function; Has not been previously published as pathogenic or benign to our knowledge

CeGaT Center for Human Genetics Tuebingen
Classification: Uncertain significance. Last evaluated: 2024-12-01. Review status: criteria provided, single submitter. Criteria: CeGaT Center For Human Genetics Tuebingen Variant Classification Criteria Version 2. Collection method: clinical testing. Allele origin: germline. Affected: yes. Observed: 1 variant allele.
Comment: PIEZO2: PM2